The following is an entry in ClinVar:

ClinVar aggregate classification (germline): Uncertain significance. Review status: criteria provided, multiple submitters, no conflicts (2 of 4 stars). 2 submissions from 2 submitters: Uncertain significance (2). Last evaluated 2025-05-19.

Conditions:
Hereditary cancer-predisposing syndrome. Also called: Tumor predisposition; Neoplastic Syndromes, Hereditary; Hereditary Cancer Syndrome; Hereditary neoplastic syndrome. Identifiers: Orphanet 140162, MedGen C0027672, MeSH D009386, MONDO:0015356.
Tuberous sclerosis 2 (TSC2). Identifiers: Orphanet 805, MedGen C1860707, MONDO:0013199, OMIM 613254.

Submissions (2):

Ambry Genetics
Classification: Uncertain significance for Hereditary cancer-predisposing syndrome. Last evaluated: 2025-05-19. Review status: criteria provided, single submitter. Criteria: Ambry Variant Classification Scheme 2023. Collection method: clinical testing. Allele origin: germline.
Comment: The p.Q1616H variant (also known as c.4848A>T), located in coding exon 36 of the TSC2 gene, results from an A to T substitution at nucleotide position 4848. The glutamine at codon 1616 is replaced by histidine, an amino acid with highly similar properties. This amino acid position is conserved. In addition, this alteration is predicted to be deleterious by in silico analysis. Based on the available evidence, the clinical significance of this variant remains unclear.

Labcorp Genetics (formerly Invitae), Labcorp
Classification: Uncertain significance for Tuberous sclerosis 2. Last evaluated: 2021-02-09. Review status: criteria provided, single submitter. Criteria: Invitae Variant Classification Sherloc (09022015). Collection method: clinical testing. Allele origin: germline.
Comment: This sequence change replaces glutamine with histidine at codon 1616 of the TSC2 protein (p.Gln1616His). The glutamine residue is highly conserved and there is a small physicochemical difference between glutamine and histidine. This variant is not present in population databases (ExAC no frequency). In summary, the available evidence is currently insufficient to determine the role of this variant in disease. Therefore, it has been classified as a Variant of Uncertain Significance. Algorithms developed to predict the effect of sequence changes on RNA splicing suggest that this variant may disrupt the consensus splice site, but this prediction has not been confirmed by published transcriptional studies. Algorithms developed to predict the effect of missense changes on protein structure and function are either unavailable or do not agree on the potential impact of this missense change (SIFT: "Deleterious"; PolyPhen-2: "Probably Damaging"; Align-GVGD: "Class C0"). This variant has not been reported in the literature in individuals with TSC2-related conditions.

NM_000548.5(TSC2):c.4848A>T (p.Gln1616His)

Gene: TSC2 (TSC complex subunit 2; plus strand). Cytogenetic location: 16p13.3.
Variant type: single nucleotide variant.
Coding change: c.4848A>T on transcript NM_000548.5 (MANE Select); coding-DNA position 4848, A replaced by T.
Protein change: p.Gln1616His; replaces glutamine 1616 with histidine.
Molecular consequence: missense variant.
Genome position (GRCh38, 1-based): chr16:2,086,378, A>T. VCF-style: chr16-2086378-A-T. GRCh37 (hg19) VCF-style: chr16-2136379-A-T.
Other names: c.4650A>T, p.Gln1550His (NM_001363528.2); c.4716A>T, p.Gln1572His (NM_001370404.1); c.4719A>T, p.Gln1573His (NM_001370405.1, NM_021055.3); c.4848A>T (NM_000548.3); c.4779A>T, p.Gln1593His (NM_001114382.3); c.4539A>T, p.Gln1513His (NM_001318827.2); c.4503A>T, p.Gln1501His (NM_001318829.2); c.4116A>T, p.Gln1372His (NM_001318831.2); and 2 more; short protein forms Q1372H, Q1501H, Q1513H, Q1549H, Q1550H, Q1560H, Q1572H, Q1573H.
Identifiers: ClinVar variation 1057471 (VCV001057471.10), dbSNP rs762819541, ClinGen allele CA394308161.
Genomic context (GRCh38, chr16:2,086,378, plus strand): 5'-CCTGGACGTGTGTGGTGAGGACGGCCAGTTCACCTACTGCTGGCACGATGACATCATGCA[A>T]GGTACGGCCTGGCGCCTACCCGCTCCTGCTGCCCCAGGCCTCAGGGCACGGCTCCCATCC-3'
Protein context (NP_000539.2, residues 1606-1626): FTYCWHDDIM[Gln1616His]AVFHIATLMP